The following is an entry in ClinVar:

NM_001987.5(ETV6):c.678G>T (p.Glu226Asp)

Gene: ETV6 (ETS variant transcription factor 6; plus strand). Cytogenetic location: 12p13.2.
Variant type: single nucleotide variant.
Coding change: c.678G>T on transcript NM_001987.5 (MANE Select); coding-DNA position 678, G replaced by T.
Protein change: p.Glu226Asp; replaces glutamic acid 226 with aspartic acid.
Molecular consequence: missense variant.
Genome position (GRCh38, 1-based): chr12:11,869,638, G>T. VCF-style: chr12-11869638-G-T. GRCh37 (hg19) VCF-style: chr12-12022572-G-T.
Other names: c.675G>T, p.Glu225Asp (NM_001413913.1); c.651G>T, p.Glu217Asp (NM_001413914.1); c.414G>T, p.Glu138Asp (NM_001413915.1); c.678G>T, p.Glu226Asp (NM_001413916.1, NM_001413917.1); short protein forms E138D, E217D, E225D, E226D.
Identifiers: ClinVar variation 3603442 (VCV003603442.3).

ClinVar aggregate classification (germline): Uncertain significance. Review status: criteria provided, multiple submitters, no conflicts (2 of 4 stars). 2 submissions from 2 submitters: Uncertain significance (2). Last evaluated 2025-05-18.

Conditions:
Inborn genetic diseases. Identifiers: MedGen C0950123, MeSH D030342.

gnomAD v4.1: 2 of 1,614,168 alleles (0.00012%); highest among the groups gnomAD compares: African/African-American, 0.0013%; no homozygotes.

Submissions (2):

Ambry Genetics
Classification: Uncertain significance for Inborn genetic diseases. Last evaluated: 2025-05-18. Review status: criteria provided, single submitter. Criteria: Ambry Variant Classification Scheme 2023. Collection method: clinical testing. Allele origin: germline.
Comment: The p.E226D variant (also known as c.678G>T), located in coding exon 5 of the ETV6 gene, results from a G to T substitution at nucleotide position 678. The glutamic acid at codon 226 is replaced by aspartic acid, an amino acid with highly similar properties. This amino acid position is conserved. In addition, this alteration is predicted to be tolerated by in silico analysis. Based on the available evidence, the clinical significance of this variant remains unclear.

Labcorp Genetics (formerly Invitae), Labcorp
Classification: Uncertain significance. Last evaluated: 2024-08-02. Review status: criteria provided, single submitter. Criteria: Invitae Variant Classification Sherloc (09022015). Collection method: clinical testing. Allele origin: germline.
Comment: This sequence change replaces glutamic acid, which is acidic and polar, with aspartic acid, which is acidic and polar, at codon 226 of the ETV6 protein (p.Glu226Asp). This variant is not present in population databases (gnomAD no frequency). This variant has not been reported in the literature in individuals affected with ETV6-related conditions. Advanced modeling of protein sequence and biophysical properties (such as structural, functional, and spatial information, amino acid conservation, physicochemical variation, residue mobility, and thermodynamic stability) performed at Invitae indicates that this missense variant is not expected to disrupt ETV6 protein function with a negative predictive value of 80%. In summary, the available evidence is currently insufficient to determine the role of this variant in disease. Therefore, it has been classified as a Variant of Uncertain Significance.